The following is an entry in ClinVar:

ClinVar aggregate classification (germline): Benign/Likely benign. Review status: criteria provided, multiple submitters, no conflicts (2 of 4 stars). 3 submissions from 3 submitters: Benign (1); Likely benign (2). Last evaluated 2024-10-17.

Conditions:
Hereditary cancer-predisposing syndrome. Also called: Tumor predisposition; Neoplastic Syndromes, Hereditary; Hereditary Cancer Syndrome; Hereditary neoplastic syndrome. Identifiers: Orphanet 140162, MedGen C0027672, MeSH D009386, MONDO:0015356.
Hereditary leiomyomatosis and renal cell cancer. Also called: LEIOMYOMA, MULTIPLE CUTANEOUS; MULTIPLE CUTANEOUS AND UTERINE LEIOMYOMATA 1, WITH OR WITHOUT RENAL CELL CARCINOMA; FH tumor predisposition syndrome; Reed syndrome; Multiple cutaneous and uterine leiomyomatosis; Cutaneous leiomyomata with uterine leiomyomata. Identifiers: Orphanet 523, MedGen C1708350, MONDO:0007888, OMIM 150800, HP:0007437. Disease mechanism: loss of function.

Allele frequency attached by ClinVar (database versions not stated): gnomAD 0.00001.
gnomAD v4.1: 1 of 1,613,998 alleles (0.000062%); highest among the groups gnomAD compares: Non-Finnish European, 0.000085%; no homozygotes.

Submissions (3):

Myriad Genetics, Inc.
Classification: Benign for Hereditary leiomyomatosis and renal cell cancer. Last evaluated: 2024-10-17. Review status: criteria provided, single submitter. Criteria: Myriad Autosomal Dominant, Autosomal Recessive and X-Linked Classification Criteria (2023). Collection method: clinical testing. Allele origin: unknown.
Comment: This variant is considered benign. This variant is a silent/synonymous amino acid change and it is not expected to impact splicing.

Labcorp Genetics (formerly Invitae), Labcorp
Classification: Likely benign. Last evaluated: 2024-03-12. Review status: criteria provided, single submitter. Criteria: Invitae Variant Classification Sherloc (09022015). Collection method: clinical testing. Allele origin: germline.

Ambry Genetics
Classification: Likely benign for Hereditary cancer-predisposing syndrome. Last evaluated: 2019-07-02. Review status: criteria provided, single submitter. Criteria: Ambry Variant Classification Scheme 2023. Collection method: clinical testing. Allele origin: germline.

NM_000143.4(FH):c.345G>A (p.Lys115=)

Gene: FH (fumarate hydratase; minus strand). Cytogenetic location: 1q43.
Variant type: single nucleotide variant.
Coding change: c.345G>A on transcript NM_000143.4 (MANE Select); coding-DNA position 345, G replaced by A.
Protein change: p.Lys115=; no amino-acid change (lysine 115 retained).
Molecular consequence: synonymous variant.
Genome position (GRCh38, 1-based): chr1:241,513,636, C>T on the plus strand (G>A on the coding strand, the complement: FH is on the minus strand). VCF-style: chr1-241513636-C-T. GRCh37 (hg19) VCF-style: chr1-241676936-C-T.
Identifiers: ClinVar variation 1731631 (VCV001731631.6), dbSNP rs1468310365, ClinGen allele CA424076449.